The following is an entry in ClinVar:

NM_000245.4(MET):c.645A>C (p.Ser215=)

Gene: MET (MET proto-oncogene, receptor tyrosine kinase; plus strand). Cytogenetic location: 7q31.2.
Variant type: single nucleotide variant.
Coding change: c.645A>C on transcript NM_000245.4 (MANE Select); coding-DNA position 645, A replaced by C.
Protein change: p.Ser215=; no amino-acid change (serine 215 retained).
Molecular consequence: synonymous variant. On other transcripts: intron variant (1).
Genome position (GRCh38, 1-based): chr7:116,699,729, A>C. VCF-style: chr7-116699729-A-C. GRCh37 (hg19) VCF-style: chr7-116339783-A-C.
Other names: c.645A>C, p.Ser215= (NM_001127500.3, NM_001324401.3); c.-91+27152A>C (NM_001324402.2).
Identifiers: ClinVar variation 3773399 (VCV003773399.1).
Genomic context (GRCh38, chr7:116,699,729, plus strand): 5'-CTTTGTAGGCAATACCATAAATTCTTCTTATTTCCCAGATCATCCATTGCATTCGATATC[A>C]GTGAGAAGGCTAAAGGAAACGAAAGATGGTTTTATGTTTTTGACGGACCAGTCCTACATT-3'
Protein context (NP_000236.2, residues 205-225): YFPDHPLHSI[Ser215=]VRRLKETKDG

ClinVar aggregate classification (germline): Benign (1 of 4 stars; one submission).

Conditions:
Papillary renal cell carcinoma type 1 (RCCP1). Also called: Renal adenocarcinoma; Renal cell carcinoma 1; Renal cell carcinoma, somatic; RENAL CELL CARCINOMA, PAPILLARY, 1, SOMATIC. Identifiers: Orphanet 47044, MedGen C1336839, OMIM 605074, HP:0011797.

Submission:

Myriad Genetics, Inc.
Classification: Benign for Papillary renal cell carcinoma type 1. Last evaluated: 2024-11-06. Review status: criteria provided, single submitter. Criteria: Myriad Autosomal Dominant, Autosomal Recessive and X-Linked Classification Criteria (2023). Collection method: clinical testing. Allele origin: unknown.
Comment: This variant is considered benign. This variant is a silent/synonymous amino acid change and it is not expected to impact splicing.